The following is an entry in ClinVar:

ClinVar aggregate classification (germline): Uncertain significance (1 of 4 stars; one submission).

Conditions:
Epidermolysis bullosa simplex 5C, with pyloric atresia (EBS5C). Also called: Epidermolysis bullosa simplex with pyloric atresia; PLEC-Related Epidermolysis Bullosa with Pyloric Atresia; PLEC1-Related Epidermolysis Bullosa with Pyloric Atresia. Identifiers: Orphanet 158684, MedGen C2677349, MONDO:0012807, OMIM 612138.
Epidermolysis bullosa simplex with nail dystrophy (EBS5D). Identifiers: MedGen C4225309, MONDO:0014661, OMIM 616487.
Epidermolysis bullosa simplex 5B, with muscular dystrophy (EBS5B). Also called: Epidermolysis bullosa simplex with muscular dystrophy; EPIDERMOLYSIS BULLOSA SIMPLEX AND LIMB-GIRDLE MUSCULAR DYSTROPHY. Identifiers: Orphanet 257, MedGen C2931072, MONDO:0009181, OMIM 226670.
Autosomal recessive limb-girdle muscular dystrophy type 2Q (LGMDR17). Also called: MUSCULAR DYSTROPHY, LIMB-GIRDLE, AUTOSOMAL RECESSIVE 17. Identifiers: Orphanet 254361, MedGen C3150989, MONDO:0013390, OMIM 613723.
Epidermolysis bullosa simplex, Ogna type (EBS5A). Also called: Pidermolysis bullosa simplex 5A, Ogna type; EPIDERMOLYSIS BULLOSA SIMPLEX 5A, OGNA TYPE. Identifiers: Orphanet 79401, MedGen C0432317, MONDO:0007555, OMIM 131950.

Submission:

Labcorp Genetics (formerly Invitae), Labcorp
Classification: Uncertain significance for Autosomal recessive limb-girdle muscular dystrophy type 2Q; Epidermolysis bullosa simplex, Ogna type; Epidermolysis bullosa simplex with nail dystrophy; Epidermolysis bullosa simplex 5C, with pyloric atresia; Epidermolysis bullosa simplex 5B, with muscular dystrophy. Last evaluated: 2021-10-08. Review status: criteria provided, single submitter. Criteria: Invitae Variant Classification Sherloc (09022015). Collection method: clinical testing. Allele origin: germline.
Comment: In summary, the available evidence is currently insufficient to determine the role of this variant in disease. Therefore, it has been classified as a Variant of Uncertain Significance. Algorithms developed to predict the effect of missense changes on protein structure and function are either unavailable or do not agree on the potential impact of this missense change (SIFT: "Deleterious"; PolyPhen-2: "Possibly Damaging"; Align-GVGD: "Class C0"). This variant has not been reported in the literature in individuals affected with PLEC-related conditions. The frequency data for this variant in the population databases is considered unreliable, as metrics indicate insufficient coverage at this position in the ExAC database. This sequence change replaces glutamic acid with aspartic acid at codon 2599 of the PLEC protein (p.Glu2599Asp). The glutamic acid residue is highly conserved and there is a small physicochemical difference between glutamic acid and aspartic acid.

NM_201384.3(PLEC):c.7716G>T (p.Glu2572Asp)

Gene: PLEC (plectin; minus strand). Cytogenetic location: 8q24.3.
Variant type: single nucleotide variant.
Coding change: c.7716G>T on transcript NM_201384.3 (MANE Select); coding-DNA position 7716, G replaced by T.
Protein change: p.Glu2572Asp; replaces glutamic acid 2572 with aspartic acid.
Molecular consequence: missense variant.
Genome position (GRCh38, 1-based): chr8:143,922,105, C>A on the plus strand (G>T on the coding strand, the complement: PLEC is on the minus strand). VCF-style: chr8-143922105-C-A. GRCh37 (hg19) VCF-style: chr8-144996273-C-A.
Other names: c.7797G>T, p.Glu2599Asp (NM_000445.5); c.7674G>T, p.Glu2558Asp (NM_201378.4); c.7650G>T, p.Glu2550Asp (NM_201379.3); c.8127G>T, p.Glu2709Asp (NM_201380.4); c.7620G>T, p.Glu2540Asp (NM_201381.3); c.7716G>T, p.Glu2572Asp (NM_201382.4); c.7728G>T, p.Glu2576Asp (NM_201383.3); short protein forms E2599D, E2558D, E2540D, E2550D, E2709D, E2572D, E2576D.
Identifiers: ClinVar variation 1408775 (VCV001408775.6), dbSNP rs2131223796, ClinGen allele CA372522833.